The following is an entry in ClinVar:

ClinVar aggregate classification (germline): Uncertain significance (1 of 4 stars; one submission).

Conditions:
Hereditary cancer-predisposing syndrome. Also called: Tumor predisposition; Neoplastic Syndromes, Hereditary; Hereditary neoplastic syndrome; Hereditary Cancer Syndrome. Identifiers: Orphanet 140162, MedGen C0027672, MeSH D009386, MONDO:0015356.

gnomAD v4.1: 1 of 1,613,518 alleles (0.000062%); highest among the groups gnomAD compares: Non-Finnish European, 0.000085%; no homozygotes.

Submission:

Ambry Genetics
Classification: Uncertain significance for Hereditary cancer-predisposing syndrome. Last evaluated: 2024-09-26. Review status: criteria provided, single submitter. Criteria: Ambry Variant Classification Scheme 2023. Collection method: clinical testing. Allele origin: germline.
Comment: The p.K110M variant (also known as c.329A>T), located in coding exon 3 of the BARD1 gene, results from an A to T substitution at nucleotide position 329. The lysine at codon 110 is replaced by methionine, an amino acid with similar properties. This amino acid position is conserved. In addition, the in silico prediction for this alteration is inconclusive. Based on the available evidence, the clinical significance of this variant remains unclear.

NM_000465.4(BARD1):c.329A>T (p.Lys110Met)

Gene: BARD1 (BRCA1 associated RING domain 1; minus strand). Cytogenetic location: 2q35.
Variant type: single nucleotide variant.
Coding change: c.329A>T on transcript NM_000465.4 (MANE Select); coding-DNA position 329, A replaced by T.
Protein change: p.Lys110Met; replaces lysine 110 with methionine.
Molecular consequence: missense variant. On other transcripts: non-coding transcript variant (1), intron variant (2).
Genome position (GRCh38, 1-based): chr2:214,792,332, T>A on the plus strand (A>T on the coding strand, the complement: BARD1 is on the minus strand). VCF-style: chr2-214792332-T-A. GRCh37 (hg19) VCF-style: chr2-215657056-T-A.
Other names: c.272A>T, p.Lys91Met (NM_001282543.2); c.329A>T, p.Lys110Met (NM_001282549.2); c.158+17080A>T (NM_001282548.2); c.215+4729A>T (NM_001282545.2); short protein forms K91M, K110M.
Identifiers: ClinVar variation 3479727 (VCV003479727.1).
Genomic context (GRCh38, chr2:214,792,332, plus strand): 5'-TAAGAGAGATAGGGATAGTTCTTACCTGACAGCTCATTGTCATGTAGCAAATTTCGAAGC[T>A]TACTACAAAGTTGAATCATGCTGTCCAGTTGTCTATTTATCTTCAAGTCTTGTATCCAGG-3'
Protein context (NP_000456.2, residues 100-120): QLDSMIQLCS[Lys110Met]LRNLLHDNEL